The following is an entry in ClinVar:

ClinVar aggregate classification (germline): Uncertain significance (1 of 4 stars; one submission).

Allele frequency attached by ClinVar (database versions not stated): gnomAD 0.00010; TOPMed 0.00018; gnomAD exomes 0.00019 and 0.00027; 1000 Genomes Project 0.00020; ExAC 0.00020; 1000 Genomes Project 30x 0.00031.
gnomAD v4.1: 290 of 1,612,132 alleles (0.018%); highest among the groups gnomAD compares: Admixed American, 0.1%; no homozygotes.

Submissions (2):

Women's Health and Genetics/Laboratory Corporation of America, LabCorp
Classification: Uncertain significance. Last evaluated: 2022-04-16. Review status: criteria provided, single submitter. Criteria: LabCorp Variant Classification Summary - May 2015. Collection method: clinical testing. Allele origin: germline.
Comment: Variant summary: PTCD3 c.805-3C>T alters a non-conserved nucleotide located close to a canonical splice site and therefore could affect mRNA splicing, leading to a significantly altered protein sequence. 4/4 computational tools predict no significant impact on normal splicing. However, these predictions have yet to be confirmed by functional studies. The variant allele was found at a frequency of 0.00027 in 251378 control chromosomes. This frequency does not allow conclusions about variant significance. To our knowledge, no occurrence of c.805-3C>T in individuals affected with Combined Oxidative Phosphorylation Deficiency 51 and no experimental evidence demonstrating its impact on protein function have been reported. No clinical diagnostic laboratories have submitted clinical-significance assessments for this variant to ClinVar after 2014. Based on the evidence outlined above, the variant was classified as uncertain significance.

Dr. Peter K. Rogan Lab, Western University
No classification provided (evidence only). Condition: Chronic lymphocytic leukemia/small lymphocytic lymphoma. Review status: no classification provided. Collection method: in vitro. Allele origin: not applicable. Functional consequence: retained intron. Not counted in ClinVar's aggregate classification.

NM_017952.6(PTCD3):c.805-3C>T

Gene: PTCD3 (pentatricopeptide repeat domain 3; plus strand). Cytogenetic location: 2p11.2.
Variant type: single nucleotide variant.
Coding change: c.805-3C>T on transcript NM_017952.6 (MANE Select); 3 bases into the intron before coding-DNA position 805, C replaced by T.
Molecular consequence: intron variant.
Genome position (GRCh38, 1-based): chr2:86,125,452, C>T. VCF-style: chr2-86125452-C-T. GRCh37 (hg19) VCF-style: chr2-86352575-C-T.
Other names: NC_000002.11:g.86352575C>T.
Identifiers: ClinVar variation 1683359 (VCV001683359.2), dbSNP rs199732602, ClinGen allele CA1747253.